The following is an entry in ClinVar:

NM_000133.4(F9):c.51C>T (p.Ile17=)

Gene: F9 (coagulation factor IX; plus strand). Cytogenetic location: Xq27.1.
Variant type: single nucleotide variant.
Coding change: c.51C>T on transcript NM_000133.4 (MANE Select); coding-DNA position 51, C replaced by T.
Protein change: p.Ile17=; no amino-acid change (isoleucine 17 retained).
Molecular consequence: synonymous variant.
Genome position (GRCh38, 1-based): chrX:139,530,815, C>T. VCF-style: chrX-139530815-C-T. GRCh37 (hg19) VCF-style: chrX-138612974-C-T.
Other names: NM_000133.4(F9):c.51C>T; p.Ile17=; c.51C>T, p.Ile17= (NM_001313913.2).
Identifiers: ClinVar variation 697610 (VCV000697610.13), dbSNP rs774612303, ClinGen allele CA10529714.

ClinVar aggregate classification (germline): Benign. Review status: reviewed by expert panel (3 of 4 stars). 3 submissions from 3 submitters: Benign (1). 2 of the submissions do not count toward it. Last evaluated 2024-02-09.

Conditions:
Hereditary factor IX deficiency disease (HEMB). Also called: PLASMA THROMBOPLASTIN COMPONENT DEFICIENCY; Hemophilia B; F9 DEFICIENCY; FACTOR IX DEFICIENCY; Christmas Disease. Identifiers: Orphanet 98879, MedGen C0008533, MeSH D002836, MONDO:0010604, OMIM 306900.
Thrombophilia, X-linked, due to factor 9 defect. Identifiers: MedGen C2749016, MONDO:0010432, OMIM 300807.

Allele frequency attached by ClinVar (database versions not stated): gnomAD 0.00011; TOPMed 0.00025; ExAC 0.00051.

Submissions (3):

ClinGen Coagulation Factor Deficiency Variant Curation Expert Panel, Clingen
Classification: Benign for Hereditary factor IX deficiency disease. Last evaluated: 2024-02-09. Review status: reviewed by expert panel. Criteria: ClinGen CoagFactor ACMG Specifications F9 V1.0.0. Collection method: curation. Allele origin: germline. Inheritance: X-linked inheritance.
Comment: The NM_000133.4:c.51C>T (p.Ile17=) synonymous variant is reported at a high MAF of 0.004462 (125/28017 alleles with 31 hemizygotes) in the Latino population of gnomAD v2.1.1, meeting the BA1 cut-off of >/= 0.0000556. In summary, this variant meets criteria to be classified as benign. ACMG/AMP criteria applied, as specified by the Coagulation Factor Deficiency VCEP for F9: BA1.

Labcorp Genetics (formerly Invitae), Labcorp
Classification: Benign for Thrombophilia, X-linked, due to factor 9 defect; Hereditary factor IX deficiency disease. Last evaluated: 2026-02-02. Review status: criteria provided, single submitter. Criteria: Invitae Variant Classification Sherloc (09022015). Collection method: clinical testing. Allele origin: germline. Not counted in ClinVar's aggregate classification.

Natera, Inc.
Classification: Benign for Hemophilia B. Last evaluated: 2020-04-11. Review status: no assertion criteria provided. Collection method: clinical testing. Allele origin: germline. Not counted in ClinVar's aggregate classification.